The following is an entry in ClinVar:

NM_170606.3(KMT2C):c.11670+3G>A

Gene: KMT2C (lysine methyltransferase 2C; minus strand). Cytogenetic location: 7q36.1.
Variant type: single nucleotide variant.
Coding change: c.11670+3G>A on transcript NM_170606.3 (MANE Select); 3 bases into the intron after coding-DNA position 11670, G replaced by A.
Molecular consequence: intron variant.
Genome position (GRCh38, 1-based): chr7:152,158,860, C>T on the plus strand (G>A on the coding strand, the complement: KMT2C is on the minus strand). VCF-style: chr7-152158860-C-T. GRCh37 (hg19) VCF-style: chr7-151855945-C-T.
Identifiers: ClinVar variation 1484520 (VCV001484520.6), dbSNP rs1029390221, ClinGen allele CA169229595.
Genomic context (GRCh38, chr7:152,158,860, plus strand): 5'-CCACTGCCCCCAGCCTATATCCTTGACTTTTAAAAGAGGCTGCTCTAAATGACTCACCCT[C>T]ACCTGTTTCAAGTGGGTAAACGTGTCAGTGCTAGAGTACATAGCTTGTTTCTCCTCTTCG-3'

ClinVar aggregate classification (germline): Uncertain significance (1 of 4 stars; one submission).

Allele frequency attached by ClinVar (database versions not stated): gnomAD 0.00002 and 0.00003; TOPMed 0.00002.
gnomAD v4.1: 3 of 1,613,672 alleles (0.00019%); highest among the groups gnomAD compares: African/African-American, 0.004%; no homozygotes.

Submission:

Labcorp Genetics (formerly Invitae), Labcorp
Classification: Uncertain significance. Last evaluated: 2022-11-08. Review status: criteria provided, single submitter. Criteria: Invitae Variant Classification Sherloc (09022015). Collection method: clinical testing. Allele origin: germline.
Comment: This sequence change falls in intron 44 of the KMT2C gene. It does not directly change the encoded amino acid sequence of the KMT2C protein. It affects a nucleotide within the consensus splice site. In summary, the available evidence is currently insufficient to determine the role of this variant in disease. Therefore, it has been classified as a Variant of Uncertain Significance. Variants that disrupt the consensus splice site are a relatively common cause of aberrant splicing (PMID: 17576681, 9536098). Algorithms developed to predict the effect of sequence changes on RNA splicing suggest that this variant may disrupt the consensus splice site. ClinVar contains an entry for this variant (Variation ID: 1484520). This variant has not been reported in the literature in individuals affected with KMT2C-related conditions. This variant is not present in population databases (gnomAD no frequency).

Literature cited by the submitters: PubMed 17576681; PubMed 9536098.